The following is an entry in ClinVar:

NM_000138.5(FBN1):c.6299C>G (p.Pro2100Arg)

Gene: FBN1 (fibrillin 1; minus strand). Cytogenetic location: 15q21.1.
Variant type: single nucleotide variant.
Coding change: c.6299C>G on transcript NM_000138.5 (MANE Select); coding-DNA position 6299, C replaced by G.
Protein change: p.Pro2100Arg; replaces proline 2100 with arginine.
Molecular consequence: missense variant.
Genome position (GRCh38, 1-based): chr15:48,437,782, G>C on the plus strand (C>G on the coding strand, the complement: FBN1 is on the minus strand). VCF-style: chr15-48437782-G-C. GRCh37 (hg19) VCF-style: chr15-48729979-G-C.
Other names: c.6299C>G, p.Pro2100Arg (NM_001406716.1); short protein forms P2100R.
Identifiers: ClinVar variation 3754052 (VCV003754052.3).

ClinVar aggregate classification (germline): Uncertain significance. Review status: criteria provided, multiple submitters, no conflicts (2 of 4 stars). 2 submissions from 2 submitters: Uncertain significance (2). Last evaluated 2025-09-08.

Conditions:
Marfan syndrome (MFS). Also called: MARFAN SYNDROME, TYPE I; Marfan syndrome type 1; Marfan's syndrome; Marfan syndrome, classic; FBN1-Related Marfan Syndrome. Identifiers: Orphanet 284963, Orphanet 558, MedGen C0024796, MONDO:0007947, OMIM 154700.
Familial thoracic aortic aneurysm and aortic dissection (TAAD). Also called: Thoracic aortic aneurysms and dissections. Identifiers: Orphanet 91387, MedGen C4707243, MONDO:0019625.

Submissions (2):

Color Diagnostics, LLC DBA Color Health
Classification: Uncertain significance for Familial thoracic aortic aneurysm and aortic dissection. Last evaluated: 2025-09-08. Review status: criteria provided, single submitter. Criteria: ACMG Guidelines, 2015. Collection method: clinical testing. Allele origin: germline.
Comment: This missense variant replaces proline with arginine at codon 2100 of the FBN1 protein. Computational prediction suggests that this variant may have deleterious impact on protein structure and function. To our knowledge, functional studies have not been reported for this variant. This variant has not been reported in individuals affected with FBN1-related disorders in the literature. This variant has not been identified in the general population by the Genome Aggregation Database (gnomAD). The available evidence is insufficient to determine the role of this variant in disease conclusively. Therefore, this variant is classified as a Variant of Uncertain Significance.

Labcorp Genetics (formerly Invitae), Labcorp
Classification: Uncertain significance for Marfan syndrome; Familial thoracic aortic aneurysm and aortic dissection. Last evaluated: 2025-03-05. Review status: criteria provided, single submitter. Criteria: Invitae Variant Classification Sherloc (09022015). Collection method: clinical testing. Allele origin: germline.
Comment: This sequence change replaces proline, which is neutral and non-polar, with arginine, which is basic and polar, at codon 2100 of the FBN1 protein (p.Pro2100Arg). This variant is not present in population databases (gnomAD no frequency). This variant has not been reported in the literature in individuals affected with FBN1-related conditions. Invitae Evidence Modeling of protein sequence and biophysical properties (such as structural, functional, and spatial information, amino acid conservation, physicochemical variation, residue mobility, and thermodynamic stability) indicates that this missense variant is expected to disrupt FBN1 protein function with a positive predictive value of 95%. In summary, the available evidence is currently insufficient to determine the role of this variant in disease. Therefore, it has been classified as a Variant of Uncertain Significance.